The following is an entry in ClinVar:

NM_003265.3(TLR3):c.2615A>G (p.Lys872Arg)

Gene: TLR3 (toll like receptor 3; plus strand). Cytogenetic location: 4q35.1.
Variant type: single nucleotide variant.
Coding change: c.2615A>G on transcript NM_003265.3 (MANE Select); coding-DNA position 2615, A replaced by G.
Protein change: p.Lys872Arg; replaces lysine 872 with arginine.
Molecular consequence: missense variant.
Genome position (GRCh38, 1-based): chr4:186,084,773, A>G. VCF-style: chr4-186084773-A-G. GRCh37 (hg19) VCF-style: chr4-187005927-A-G.
Other names: short protein forms K872R.
Identifiers: ClinVar variation 937629 (VCV000937629.10), dbSNP rs2099304099, ClinGen allele CA358937975.
Genomic context (GRCh38, chr4:186,084,773, plus strand): 5'-TTGAGGAGATTCCAGATTATAAACTGAACCATGCACTCTGTTTGCGAAGAGGAATGTTTA[A>G]ATCTCACTGCATCTTGAACTGGCCAGTTCAGAAAGAACGGATAGGTGCCTTTCGTCATAA-3'
Protein context (NP_003256.1, residues 862-882): HALCLRRGMF[Lys872Arg]SHCILNWPVQ

ClinVar aggregate classification (germline): Uncertain significance (1 of 4 stars; one submission).

Conditions:
Encephalopathy, acute, infection-induced (herpes-specific), susceptibility to, 1. Also called: Herpes simplex encephalitis, susceptibility to, 1. Identifiers: Orphanet 1930, MedGen C2750180, MONDO:0024563, OMIM 610551.

Allele frequency attached by ClinVar (database versions not stated): gnomAD exomes below 0.00001.
gnomAD v4.1: 1 of 1,614,154 alleles (0.000062%); highest among the groups gnomAD compares: Non-Finnish European, 0.000085%; no homozygotes.

Submission:

Labcorp Genetics (formerly Invitae), Labcorp
Classification: Uncertain significance for Encephalopathy, acute, infection-induced (herpes-specific), susceptibility to, 1. Last evaluated: 2022-09-06. Review status: criteria provided, single submitter. Criteria: Invitae Variant Classification Sherloc (09022015). Collection method: clinical testing. Allele origin: germline.
Comment: This sequence change replaces lysine, which is basic and polar, with arginine, which is basic and polar, at codon 872 of the TLR3 protein (p.Lys872Arg). This variant is not present in population databases (gnomAD no frequency). This variant has not been reported in the literature in individuals affected with TLR3-related conditions. ClinVar contains an entry for this variant (Variation ID: 937629). Algorithms developed to predict the effect of missense changes on protein structure and function output the following: SIFT: "Tolerated"; PolyPhen-2: "Benign"; Align-GVGD: "Class C0". The arginine amino acid residue is found in multiple mammalian species, which suggests that this missense change does not adversely affect protein function. In summary, the available evidence is currently insufficient to determine the role of this variant in disease. Therefore, it has been classified as a Variant of Uncertain Significance.